The following is an entry in ClinVar:

ClinVar aggregate classification (germline): Likely benign. Review status: criteria provided, multiple submitters, no conflicts (2 of 4 stars). 2 submissions from 2 submitters: Likely benign (2). Last evaluated 2026-06-01.

gnomAD v4.1: 6 of 539,034 alleles (0.0011%); highest among the groups gnomAD compares: South Asian, 0.0068%; 1 homozygote.

Submissions (2):

CeGaT Center for Human Genetics Tuebingen
Classification: Likely benign. Last evaluated: 2026-06-01. Review status: criteria provided, single submitter. Criteria: CeGaT Center For Human Genetics Tuebingen Variant Classification Criteria Version 2. Collection method: clinical testing. Allele origin: germline. Affected: yes. Observed: 1 variant allele.
Comment: HP: BP4, BP7

Blueprint Genetics
Classification: Likely benign. Last evaluated: 2024-01-18. Review status: criteria provided, single submitter. Criteria: ACMG Guidelines, 2015. Collection method: clinical testing. Allele origin: germline.

NM_005143.5(HP):c.366T>C (p.Asp122=)

Gene: HP (haptoglobin; plus strand). Cytogenetic location: 16q22.2.
Variant type: single nucleotide variant.
Coding change: c.366T>C on transcript NM_005143.5 (MANE Select); coding-DNA position 366, T replaced by C.
Protein change: p.Asp122=; no amino-acid change (aspartic acid 122 retained).
Molecular consequence: synonymous variant. On other transcripts: intron variant (2).
Genome position (GRCh38, 1-based): chr16:72,058,354, T>C. VCF-style: chr16-72058354-T-C. GRCh37 (hg19) VCF-style: chr16-72092253-T-C.
Other names: c.265+888T>C (NM_001318138.2); c.191-760T>C (NM_001126102.3).
Identifiers: ClinVar variation 4873724 (VCV004873724.3).